The following is an entry in ClinVar:

NM_001101426.4(CRPPA):c.121G>A (p.Gly41Arg)

Gene: CRPPA (CDP-L-ribitol pyrophosphorylase A; minus strand). Cytogenetic location: 7p21.2.
Variant type: single nucleotide variant.
Coding change: c.121G>A on transcript NM_001101426.4 (MANE Select); coding-DNA position 121, G replaced by A.
Protein change: p.Gly41Arg; replaces glycine 41 with arginine.
Molecular consequence: missense variant. On other transcripts: non-coding transcript variant (1).
Genome position (GRCh38, 1-based): chr7:16,421,202, C>T on the plus strand (G>A on the coding strand, the complement: CRPPA is on the minus strand). VCF-style: chr7-16421202-C-T. GRCh37 (hg19) VCF-style: chr7-16460827-C-T.
Other names: c.121G>A, p.Gly41Arg (NM_001101417.4, NM_001368197.1); short protein forms G41R.
Identifiers: ClinVar variation 2141525 (VCV002141525.4), dbSNP rs539782298, ClinGen allele CA154766861.

ClinVar aggregate classification (germline): Uncertain significance (1 of 4 stars; one submission).

Conditions:
Muscular dystrophy-dystroglycanopathy (congenital with brain and eye anomalies), type A, 7. Also called: WALKER-WARBURG SYNDROME OR MUSCLE-EYE-BRAIN DISEASE, ISPD-RELATED; Congenital muscular dystrophy-dystroglycanopathy with brain and eye anomalies, type A7. Identifiers: Orphanet 899, MedGen C3553330, MONDO:0013835, OMIM 614643.
Autosomal recessive limb-girdle muscular dystrophy type 2U. Also called: Muscular dystrophy-dystroglycanopathy (limb-girdle), type c, 7; MUSCULAR DYSTROPHY, LIMB-GIRDLE, TYPE 2U. Identifiers: Orphanet 352479, MedGen C5190987, MONDO:0014474, OMIM 616052.

Allele frequency attached by ClinVar (database versions not stated): TOPMed below 0.00001; gnomAD 0.00001; 1000 Genomes Project 30x 0.00016; 1000 Genomes Project 0.00020.

Submission:

Labcorp Genetics (formerly Invitae), Labcorp
Classification: Uncertain significance for Muscular dystrophy-dystroglycanopathy (congenital with brain and eye anomalies), type A, 7; Autosomal recessive limb-girdle muscular dystrophy type 2U. Last evaluated: 2022-10-05. Review status: criteria provided, single submitter. Criteria: Invitae Variant Classification Sherloc (09022015). Collection method: clinical testing. Allele origin: germline.
Comment: In summary, the available evidence is currently insufficient to determine the role of this variant in disease. Therefore, it has been classified as a Variant of Uncertain Significance. Algorithms developed to predict the effect of missense changes on protein structure and function output the following: SIFT: "Tolerated"; PolyPhen-2: "Benign"; Align-GVGD: "Class C0". The arginine amino acid residue is found in multiple mammalian species, which suggests that this missense change does not adversely affect protein function. This variant has not been reported in the literature in individuals affected with ISPD-related conditions. This variant is not present in population databases (gnomAD no frequency). This sequence change replaces glycine, which is neutral and non-polar, with arginine, which is basic and polar, at codon 41 of the ISPD protein (p.Gly41Arg).